The following is an entry in ClinVar:

NM_177438.3(DICER1):c.1752+246T>G

Gene: DICER1 (dicer 1, ribonuclease III; minus strand). Cytogenetic location: 14q32.13.
Variant type: single nucleotide variant.
Coding change: c.1752+246T>G on transcript NM_177438.3 (MANE Select); 246 bases into the intron after coding-DNA position 1752, T replaced by G.
Molecular consequence: intron variant.
Genome position (GRCh38, 1-based): chr14:95,116,207, A>C on the plus strand (T>G on the coding strand, the complement: DICER1 is on the minus strand). VCF-style: chr14-95116207-A-C. GRCh37 (hg19) VCF-style: chr14-95582544-A-C.
Other names: c.1752+246T>G (NM_001291628.2, NM_030621.4, NM_001271282.3 and 1 more transcripts).
Identifiers: ClinVar variation 676815 (VCV000676815.1), dbSNP rs7157322, ClinGen allele CA13948129.

ClinVar aggregate classification (germline): Benign (1 of 4 stars; one submission).

Allele frequency attached by ClinVar (database versions not stated): 1000 Genomes Project 0.42792; gnomAD 0.42908 and 0.43933; 1000 Genomes Project 30x 0.43348; TOPMed 0.44274.
gnomAD v4.1: 65,076 of 152,068 alleles (43%); highest among the groups gnomAD compares: African/African-American, 69%; 16,004 homozygotes.

Submission:

GeneDx
Classification: Benign. Last evaluated: 2018-06-15. Review status: criteria provided, single submitter. Criteria: GeneDx Variant Classification (06012015). Collection method: clinical testing. Allele origin: germline. Affected: yes.
Comment: This variant is considered likely benign or benign based on one or more of the following criteria: it is a conservative change, it occurs at a poorly conserved position in the protein, it is predicted to be benign by multiple in silico algorithms, and/or has population frequency not consistent with disease.